The following is an entry in ClinVar:

ClinVar aggregate classification (germline): Uncertain significance (1 of 4 stars; one submission).

Allele frequency attached by ClinVar (database versions not stated): gnomAD exomes below 0.00001 and 0.00002; ExAC 0.00001.
gnomAD v4.1: 22 of 1,613,804 alleles (0.0014%); highest among the groups gnomAD compares: Non-Finnish European, 0.0019%; no homozygotes.

Submission:

Labcorp Genetics (formerly Invitae), Labcorp
Classification: Uncertain significance. Last evaluated: 2021-06-23. Review status: criteria provided, single submitter. Criteria: Invitae Variant Classification Sherloc (09022015). Collection method: clinical testing. Allele origin: germline.
Comment: This variant has not been reported in the literature in individuals with KANK4-related conditions. This variant is present in population databases (rs762778964, ExAC 0.002%). This sequence change replaces threonine with isoleucine at codon 686 of the KANK4 protein (p.Thr686Ile). The threonine residue is weakly conserved and there is a moderate physicochemical difference between threonine and isoleucine. Algorithms developed to predict the effect of missense changes on protein structure and function (SIFT, PolyPhen-2, Align-GVGD) all suggest that this variant is likely to be tolerated, but these predictions have not been confirmed by published functional studies and their clinical significance is uncertain. In summary, the available evidence is currently insufficient to determine the role of this variant in disease. Therefore, it has been classified as a Variant of Uncertain Significance.

NM_181712.5(KANK4):c.2057C>T (p.Thr686Ile)

Gene: KANK4 (KN motif and ankyrin repeat domains 4; minus strand). Cytogenetic location: 1p31.3.
Variant type: single nucleotide variant.
Coding change: c.2057C>T on transcript NM_181712.5 (MANE Select); coding-DNA position 2057, C replaced by T.
Protein change: p.Thr686Ile; replaces threonine 686 with isoleucine.
Molecular consequence: missense variant.
Genome position (GRCh38, 1-based): chr1:62,268,461, G>A on the plus strand (C>T on the coding strand, the complement: KANK4 is on the minus strand). VCF-style: chr1-62268461-G-A. GRCh37 (hg19) VCF-style: chr1-62734133-G-A.
Other names: c.173C>T, p.Thr58Ile (NM_001320269.2); short protein forms T58I, T686I.
Identifiers: ClinVar variation 1464424 (VCV001464424.8), dbSNP rs762778964, ClinGen allele CA884223.